The following is an entry in ClinVar:

NM_000143.4(FH):c.1236+2T>C

Gene: FH (fumarate hydratase; minus strand). Cytogenetic location: 1q43.
Variant type: single nucleotide variant.
Coding change: c.1236+2T>C on transcript NM_000143.4 (MANE Select); the canonical splice donor site of the intron after coding-DNA position 1236, T replaced by C.
Molecular consequence: splice donor variant.
Genome position (GRCh38, 1-based): chr1:241,502,441, A>G on the plus strand (T>C on the coding strand, the complement: FH is on the minus strand). VCF-style: chr1-241502441-A-G. GRCh37 (hg19) VCF-style: chr1-241665741-A-G.
Identifiers: ClinVar variation 1756751 (VCV001756751.2), dbSNP rs2527316491, ClinGen allele CA345437200.

ClinVar aggregate classification (germline): Likely pathogenic (1 of 4 stars; one submission).

Conditions:
Hereditary cancer-predisposing syndrome. Also called: Neoplastic Syndromes, Hereditary; Tumor predisposition; Hereditary Cancer Syndrome; Hereditary neoplastic syndrome. Identifiers: Orphanet 140162, MedGen C0027672, MeSH D009386, MONDO:0015356.

Submission:

Ambry Genetics
Classification: Likely pathogenic for Hereditary cancer-predisposing syndrome. Last evaluated: 2018-04-18. Review status: criteria provided, single submitter. Criteria: Ambry Variant Classification Scheme 2023. Collection method: clinical testing. Allele origin: germline.
Comment: The c.1236+2T>C intronic variant results from a T to C substitution two nucleotides after coding exon 8 in the FH gene. This nucleotide position is highly conserved in available vertebrate species. Using two different splice site prediction tools, this alteration is predicted by BDGP to abolish the native splice donor site, but is predicted to weaken (but not abolish) the efficiency of the native splice donor site by ESEfinder; however, direct evidence is unavailable. Alterations that disrupt the canonical splice site are expected to cause aberrant splicing, resulting in an abnormal protein or a transcript that is subject to nonsense-mediated mRNA decay. As such, this alteration is classified as likely pathogenic.